The following is an entry in ClinVar:

NM_004260.4(RECQL4):c.602T>A (p.Phe201Tyr)

Gene: RECQL4 (RecQ like helicase 4; minus strand). Cytogenetic location: 8q24.3.
Variant type: single nucleotide variant.
Coding change: c.602T>A on transcript NM_004260.4 (MANE Select); coding-DNA position 602, T replaced by A.
Protein change: p.Phe201Tyr; replaces phenylalanine 201 with tyrosine.
Molecular consequence: missense variant. On other transcripts: 5 prime UTR variant (15), non-coding transcript variant (3), intron variant (3).
Genome position (GRCh38, 1-based): chr8:144,516,517, A>T on the plus strand (T>A on the coding strand, the complement: RECQL4 is on the minus strand). VCF-style: chr8-144516517-A-T. GRCh37 (hg19) VCF-style: chr8-145741901-A-T.
Other names: c.-739T>A (NM_001413043.1); c.355-104T>A (NM_001413029.1); c.-366-104T>A (NM_001413021.1, NM_001413028.1); c.602T>A, p.Phe201Tyr (NM_001413017.1, NM_001413018.1, NM_001413019.1 and 4 more transcripts); c.-470T>A (NM_001413022.1, NM_001413023.1, NM_001413024.1 and 5 more transcripts); c.473T>A, p.Phe158Tyr (NM_001413025.1); c.-532T>A (NM_001413027.1, NM_001413030.1, NM_001413031.1 and 2 more transcripts); c.-374T>A (NM_001413034.1); short protein forms F158Y, F201Y.
Identifiers: ClinVar variation 5028090 (VCV005028090.1).

ClinVar aggregate classification (germline): Uncertain significance (1 of 4 stars; one submission).

Conditions:
Inborn genetic diseases. Identifiers: MedGen C0950123, MeSH D030342.

Submission:

Ambry Genetics
Classification: Uncertain significance for Inborn genetic diseases. Last evaluated: 2026-07-28. Review status: criteria provided, single submitter. Criteria: Ambry Variant Classification Scheme 2023. Collection method: clinical testing. Allele origin: germline.
Comment: The p.F201Y variant (also known as c.602T>A), located in coding exon 5 of the RECQL4 gene, results from a T to A substitution at nucleotide position 602. The phenylalanine at codon 201 is replaced by tyrosine, an amino acid with highly similar properties. This amino acid position is conserved. In addition, this alteration is predicted to be tolerated by in silico analysis. Based on the available evidence, the clinical significance of this variant remains unclear.